The following is an entry in ClinVar:

ClinVar aggregate classification (germline): Benign. Review status: reviewed by expert panel (3 of 4 stars). 9 submissions from 7 submitters: Benign (1). 8 of the submissions do not count toward it. Last evaluated 2025-11-19.

Conditions:
Anterior segment dysgenesis 6 (ASGD6). Also called: Anterior segment dysgenesis 6, multiple subtypes. Identifiers: MedGen C4310623, MONDO:0015016, OMIM 617315.
CYP1B1-related glaucoma with or without anterior segment dysgenesis. Identifiers: MedGen CN375931, MONDO:0800472.
Irido-corneo-trabecular dysgenesis (ASGD5). Also called: ANTERIOR SEGMENT DYSGENESIS 5. Identifiers: Orphanet 708, MedGen C0344559, MONDO:0011414, OMIM 604229, HP:0000659.
Glaucoma 3A. Also called: Glaucoma 3, primary congenital, A. Identifiers: Orphanet 98976, Orphanet 98977, MedGen C1856439, MONDO:0009277, OMIM 231300.

Allele frequency attached by ClinVar (database versions not stated): ESP Exome Variant Server 0.26773; TOPMed 0.27081; gnomAD 0.28114 and 0.28148; gnomAD exomes 0.28304 and 0.29261; 1000 Genomes Project 30x 0.28873; 1000 Genomes Project 0.29413; ExAC 0.29928.

Submissions (9):

ClinGen Glaucoma Variant Curation Expert Panel
Classification: Benign for CYP1B1-related glaucoma with or without anterior segment dysgenesis. Last evaluated: 2025-11-19. Review status: reviewed by expert panel. Criteria: ClinGen CYP1B1 ACMG Specifications V1 Approved. Collection method: curation. Allele origin: germline. Inheritance: Autosomal recessive inheritance.
Comment: The c.-1-12C>T variant in CYP1B1 is a single nucleotide intronic variant. The highest minor allele frequency of this variant, in a genetic ancestry group of at least 2,000 alleles, was in the South Asian genetic ancestry group of gnomAD (v4.1.0) = 0.3684, which met the ≥ 0.05 threshold set for BA1 (33,401 alleles out of 90,674, meeting the threshold of ≥ 5 observed alleles). The SpliceAI score = 0.04, which met the ≤ 0.1 threshold for BP4. There was no functional evidence predicting a damaging or benign impact of this variant on CYP1B1 function. In summary, this variant was classified as benign (BA1 is a stand-alone criterion for a benign level of pathogenicity) for CYP1B1- related glaucoma with or without anterior segment dysgenesis (ASD) based on the ACMG/AMP criteria met, as specified by the ClinGen Glaucoma VCEP (v1.0, 06.11.2025): BA1, BP4.

Genome-Nilou Lab
Classification: Benign for Anterior segment dysgenesis 6. Last evaluated: 2021-07-30. Review status: criteria provided, single submitter. Criteria: ACMG Guidelines, 2015. Collection method: clinical testing. Allele origin: germline. Affected: no. Not counted in ClinVar's aggregate classification.

Genome-Nilou Lab
Classification: Benign for Glaucoma 3A. Last evaluated: 2021-07-30. Review status: criteria provided, single submitter. Criteria: ACMG Guidelines, 2015. Collection method: clinical testing. Allele origin: germline. Affected: no. Not counted in ClinVar's aggregate classification.

Illumina Laboratory Services, Illumina
Classification: Benign for Glaucoma 3A. Last evaluated: 2018-01-12. Review status: criteria provided, single submitter. Criteria: ICSL Variant Classification Criteria 13 December 2019. Collection method: clinical testing. Allele origin: germline. Not counted in ClinVar's aggregate classification.
Comment: This variant was observed in the ICSL laboratory as part of a predisposition screen in an ostensibly healthy population. It had not been previously curated by ICSL or reported in the Human Gene Mutation Database (HGMD: prior to June 1st, 2018), and was therefore a candidate for classification through an automated scoring system. Utilizing variant allele frequency, disease prevalence and penetrance estimates, and inheritance mode, an automated score was calculated to assess if this variant is too frequent to cause the disease. Based on the score and internal cut-off values, a variant classified as benign is not then subjected to further curation. The score for this variant resulted in a classification of benign for this disease.

Illumina Laboratory Services, Illumina
Classification: Benign for Irido-corneo-trabecular dysgenesis. Last evaluated: 2018-01-12. Review status: criteria provided, single submitter. Criteria: ICSL Variant Classification Criteria 13 December 2019. Collection method: clinical testing. Allele origin: germline. Not counted in ClinVar's aggregate classification.
Comment: the same text as in the submission from Illumina Laboratory Services, Illumina above.

GeneDx
Classification: Benign. Last evaluated: 2015-03-03. Review status: criteria provided, single submitter. Criteria: GeneDx Variant Classification Process June 2021. Collection method: clinical testing. Allele origin: germline. Affected: yes. Not counted in ClinVar's aggregate classification.

Eurofins Ntd Llc (ga)
Classification: Benign. Last evaluated: 2013-08-14. Review status: criteria provided, single submitter. Criteria: EGL Classification Definitions. Collection method: clinical testing. Allele origin: germline. Observed: 4 variant alleles, 3 heterozygotes, 1 homozygote. Not counted in ClinVar's aggregate classification.

Breakthrough Genomics
Classification: Benign. Review status: criteria provided, single submitter. Criteria: ACMG Guidelines, 2015. Collection method: not provided. Allele origin: germline. Inheritance: Autosomal recessive inheritance. Affected: yes. Not counted in ClinVar's aggregate classification.

PreventionGenetics, part of Exact Sciences
Classification: Benign. Review status: criteria provided, single submitter. Criteria: ACMG Guidelines, 2015. Collection method: clinical testing. Allele origin: germline. Not counted in ClinVar's aggregate classification.

NM_000104.4(CYP1B1):c.-1-12C>T

Gene: CYP1B1 (cytochrome P450 family 1 subfamily B member 1; minus strand). Cytogenetic location: 2p22.2.
Variant type: single nucleotide variant.
Coding change: c.-1-12C>T on transcript NM_000104.4 (MANE Select); 12 bases into the intron before 1 bases upstream of the start codon, C replaced by T.
Molecular consequence: intron variant.
Genome position (GRCh38, 1-based): chr2:38,075,401, G>A on the plus strand (C>T on the coding strand, the complement: CYP1B1 is on the minus strand). VCF-style: chr2-38075401-G-A. GRCh37 (hg19) VCF-style: chr2-38302544-G-A.
Other names: NM_000104.4:c.-1-12C>T.
Identifiers: ClinVar variation 166974 (VCV000166974.16), dbSNP rs2617266, ClinGen allele CA179956.